The following is an entry in ClinVar:

NM_000465.4(BARD1):c.2033_2035del (p.Tyr678del)

Gene: BARD1 (BRCA1 associated RING domain 1; minus strand). Cytogenetic location: 2q35.
Variant type: Deletion.
Coding change: c.2033_2035del on transcript NM_000465.4 (MANE Select); coding-DNA positions 2033 to 2035, 3 bases deleted (ATT; older notation c.2033_2035delATT).
Protein change: p.Tyr678del; deletes tyrosine 678.
Molecular consequence: inframe deletion. On other transcripts: non-coding transcript variant (3).
Genome position (GRCh38, 1-based): chr2:214,728,975-214,728,977, AAT deleted on the plus strand (ATT on the coding strand, the reverse complement: BARD1 is on the minus strand); deleting any 3 consecutive bases within chr2:214,728,975-214,728,978 gives the same sequence; the c. name uses the placement nearest the transcript's 3' end. VCF-style (leftmost placement, unchanged base first): chr2-214728974-AAAT-A. GRCh37 (hg19) VCF-style: chr2-215593698-AAAT-A.
Other names: c.1976_1978del, p.Tyr659del (NM_001282543.2); c.680_682del, p.Tyr227del (NM_001282545.2); c.623_625del, p.Tyr208del (NM_001282548.2); c.494_496del, p.Tyr165del (NM_001282549.2); short protein forms Y227del, Y208del, Y659del, Y678del, Y165del.
Identifiers: ClinVar variation 2135774 (VCV002135774.4), dbSNP rs2469271160, ClinGen allele CA2580065649.

ClinVar aggregate classification (germline): Uncertain significance (1 of 4 stars; one submission).

Conditions:
Familial cancer of breast. Also called: Hereditary breast cancer; BREAST CANCER, FAMILIAL; hereditary breast carcinoma. Identifiers: Orphanet 227535, MedGen C0346153, MONDO:0016419, OMIM 114480. Disease mechanism: loss of function.

Submission:

Labcorp Genetics (formerly Invitae), Labcorp
Classification: Uncertain significance for Familial cancer of breast. Last evaluated: 2022-05-09. Review status: criteria provided, single submitter. Criteria: Invitae Variant Classification Sherloc (09022015). Collection method: clinical testing. Allele origin: germline.
Comment: This variant, c.2033_2035del, results in the deletion of 1 amino acid(s) of the BARD1 protein (p.Tyr678del), but otherwise preserves the integrity of the reading frame. This variant is not present in population databases (gnomAD no frequency). In summary, the available evidence is currently insufficient to determine the role of this variant in disease. Therefore, it has been classified as a Variant of Uncertain Significance. Experimental studies and prediction algorithms are not available or were not evaluated, and the functional significance of this variant is currently unknown. This variant has not been reported in the literature in individuals affected with BARD1-related conditions.